The following is an entry in ClinVar:

ClinVar aggregate classification (germline): Uncertain significance. Review status: criteria provided, multiple submitters, no conflicts (2 of 4 stars). 4 submissions from 4 submitters: Uncertain significance (4). Last evaluated 2024-01-08.

Conditions:
Nephronophthisis-like nephropathy 1 (NPHPL1). Identifiers: Orphanet 655, MedGen C3150419, MONDO:0013163, OMIM 613159.
Inborn genetic diseases. Identifiers: MedGen C0950123, MeSH D030342.

Allele frequency attached by ClinVar (database versions not stated): gnomAD 0.00011 and 0.00012; TOPMed 0.00013; ESP Exome Variant Server 0.00046.
gnomAD v4.1: 339 of 1,613,958 alleles (0.021%); highest among the groups gnomAD compares: Non-Finnish European, 0.026%; no homozygotes.

Submissions (4):

Fulgent Genetics
Classification: Uncertain significance for Nephronophthisis-like nephropathy 1. Last evaluated: 2024-01-08. Review status: criteria provided, single submitter. Criteria: ACMG Guidelines, 2015. Collection method: clinical testing. Allele origin: germline.

Ambry Genetics
Classification: Uncertain significance for Inborn genetic diseases. Last evaluated: 2021-07-09. Review status: criteria provided, single submitter. Criteria: Ambry Variant Classification Scheme 2023. Collection method: clinical testing. Allele origin: germline.

Labcorp Genetics (formerly Invitae), Labcorp
Classification: Uncertain significance for Nephronophthisis-like nephropathy 1. Last evaluated: 2020-02-05. Review status: criteria provided, single submitter. Criteria: Invitae Variant Classification Sherloc (09022015). Collection method: clinical testing. Allele origin: germline.
Comment: This sequence change replaces alanine with threonine at codon 506 of the XPNPEP3 protein (p.Ala506Thr). The alanine residue is weakly conserved and there is a small physicochemical difference between alanine and threonine. In summary, the available evidence is currently insufficient to determine the role of this variant in disease. Therefore, it has been classified as a Variant of Uncertain Significance. Algorithms developed to predict the effect of missense changes on protein structure and function output the following: SIFT: "Tolerated"; PolyPhen-2: "Benign"; Align-GVGD: "Class C0". The threonine amino acid residue is found in multiple mammalian species, suggesting that this missense change does not adversely affect protein function. These predictions have not been confirmed by published functional studies and their clinical significance is uncertain. This variant has not been reported in the literature in individuals with XPNPEP3-related disease. ClinVar contains an entry for this variant (Variation ID: 580250). This variant is present in population databases (rs139592817, ExAC 0.05%).

Illumina Laboratory Services, Illumina
Classification: Uncertain significance for Nephronophthisis-like nephropathy 1. Last evaluated: 2018-01-13. Review status: criteria provided, single submitter. Criteria: ICSL Variant Classification Criteria 13 December 2019. Collection method: clinical testing. Allele origin: germline.

NM_022098.4(XPNPEP3):c.1516G>A (p.Ala506Thr)

Gene: XPNPEP3 (X-prolyl aminopeptidase 3; plus strand). Cytogenetic location: 22q13.2.
Variant type: single nucleotide variant.
Coding change: c.1516G>A on transcript NM_022098.4 (MANE Select); coding-DNA position 1516, G replaced by A.
Protein change: p.Ala506Thr; replaces alanine 506 with threonine.
Molecular consequence: missense variant.
Genome position (GRCh38, 1-based): chr22:40,926,427, G>A. VCF-style: chr22-40926427-G-A. GRCh37 (hg19) VCF-style: chr22-41322431-G-A.
Other names: short protein forms A506T.
Identifiers: ClinVar variation 580250 (VCV000580250.15), dbSNP rs139592817, ClinGen allele CA10251962.